The following is an entry in ClinVar:

ClinVar aggregate classification (germline): Uncertain significance (1 of 4 stars; one submission).

Conditions:
Long QT syndrome (LQTS). Identifiers: MedGen C0023976, MeSH D008133, MONDO:0002442. Disease mechanism: loss of function. Inheritance: Various modes of inheritance.

gnomAD v4.1: 3 of 1,593,980 alleles (0.00019%); highest among the groups gnomAD compares: Admixed American, 0.0017%; no homozygotes.

Submission:

Labcorp Genetics (formerly Invitae), Labcorp
Classification: Uncertain significance for Long QT syndrome. Last evaluated: 2025-06-10. Review status: criteria provided, single submitter. Criteria: Invitae Variant Classification Sherloc (09022015). Collection method: clinical testing. Allele origin: germline.
Comment: This sequence change replaces arginine, which is basic and polar, with glycine, which is neutral and non-polar, at codon 378 of the CACNA1C protein (p.Arg378Gly). This variant is present in population databases (no rsID available, gnomAD 0.003%). This variant has not been reported in the literature in individuals affected with CACNA1C-related conditions. Invitae Evidence Modeling of protein sequence and biophysical properties (such as structural, functional, and spatial information, amino acid conservation, physicochemical variation, residue mobility, and thermodynamic stability) indicates that this missense variant is not expected to disrupt CACNA1C protein function with a negative predictive value of 95%. In summary, the available evidence is currently insufficient to determine the role of this variant in disease. Therefore, it has been classified as a Variant of Uncertain Significance.

NM_000719.7(CACNA1C):c.1132A>G (p.Arg378Gly)

Gene: CACNA1C (calcium voltage-gated channel subunit alpha1 C; plus strand). Cytogenetic location: 12p13.33.
Variant type: single nucleotide variant.
Coding change: c.1132A>G on transcript NM_000719.7 (MANE Select); coding-DNA position 1132, A replaced by G.
Protein change: p.Arg378Gly; replaces arginine 378 with glycine.
Molecular consequence: missense variant. On other transcripts: intron variant (4).
Genome position (GRCh38, 1-based): chr12:2,504,860, A>G. VCF-style: chr12-2504860-A-G. GRCh37 (hg19) VCF-style: chr12-2614026-A-G.
Other names: c.1132A>G, p.Arg378Gly (NM_001129827.2, NM_001129829.2, NM_001129830.3 and 14 more transcripts); c.1217+321A>G (NM_001167624.3, NM_001167623.2, NM_001167625.2 and 1 more transcripts); c.1123A>G, p.Arg375Gly (NM_001129844.2); short protein forms R375G, R378G.
Identifiers: ClinVar variation 4760672 (VCV004760672.1).